The following is an entry in ClinVar:

ClinVar aggregate classification (germline): Pathogenic (1 of 4 stars; one submission).

Conditions:
ALMS1-related disorder. Also called: ALMS1-related condition.

Submission:

PreventionGenetics, part of Exact Sciences
Classification: Pathogenic for ALMS1-related condition. Last evaluated: 2023-02-23. Review status: criteria provided, single submitter. Criteria: ACMG Guidelines, 2015. Collection method: clinical testing. Allele origin: germline.
Comment: The ALMS1 c.7396G>T variant is predicted to result in premature protein termination (p.Glu2466*). This variant was reported in the compound heterozygous state in at least one individual with Alstrom syndrome (Wang et al. 2015. PubMed ID: 26047050). Additionally, this variant was reported in the heterozygous state along with a second ALMS1 nonsense variant in an individual diagnosed with Leber congenital amaurosis (LCA) (described as c.7402G>T, p.E2468* in Xu et al. 2016. PubMed ID: 26010121). This variant is reported in 0.011% of alleles in individuals of East Asian descent in gnomAD. Nonsense variants in ALMS1 are expected to be pathogenic. Based on the collective evidence, this variant is interpreted as pathogenic.

NM_001378454.1(ALMS1):c.7393G>T (p.Val2465Leu)

Gene: ALMS1 (ALMS1 centrosome and basal body associated protein; plus strand). Cytogenetic location: 2p13.1.
Variant type: single nucleotide variant.
Coding change: c.7393G>T on transcript NM_001378454.1 (MANE Select); coding-DNA position 7393, G replaced by T.
Protein change: p.Val2465Leu; replaces valine 2465 with leucine.
Molecular consequence: missense variant.
Genome position (GRCh38, 1-based): chr2:73,453,920, G>T. VCF-style: chr2-73453920-G-T. GRCh37 (hg19) VCF-style: chr2-73681047-G-T.
Other names: c.7396G>T, p.Val2466Leu (NM_015120.4); short protein forms V2465L, V2466L.
Identifiers: ClinVar variation 2630160 (VCV002630160.1), dbSNP rs2466112542, ClinGen allele CA347292376.